The following is an entry in ClinVar:

ClinVar aggregate classification (germline): Uncertain significance. Review status: criteria provided, multiple submitters, no conflicts (2 of 4 stars). 5 submissions from 5 submitters: Uncertain significance (5). Last evaluated 2026-04-05.

Conditions:
Cerebrooculofacioskeletal syndrome 2 (COFS2). Identifiers: MedGen C1853102, MONDO:0012553, OMIM 610756.
Xeroderma pigmentosum, group D (XPD). Also called: ERCC2-Related Xeroderma Pigmentosum; XERODERMA PIGMENTOSUM IV; XP, GROUP D; XP, GROUP H; XERODERMA PIGMENTOSUM, COMPLEMENTATION GROUP D. Identifiers: MedGen C0268138, MONDO:0010212, OMIM 278730.
Trichothiodystrophy 1, photosensitive (TTD1). Also called: TAY SYNDROME; TRICHOTHIODYSTROPHY WITH CONGENITAL ICHTHYOSIS; PIBIDS SYNDROME. Identifiers: Orphanet 33364, MedGen C1866504, MONDO:0011125, OMIM 601675.
Xeroderma pigmentosum (XP). Identifiers: Orphanet 910, MedGen C0043346, MONDO:0019600.

Allele frequency attached by ClinVar (database versions not stated): gnomAD 0.00002; TOPMed 0.00003.
gnomAD v4.1: 56 of 1,613,932 alleles (0.0035%); highest among the groups gnomAD compares: Non-Finnish European, 0.0041%; no homozygotes.

Submissions (5):

Dasa
Classification: Uncertain significance. Last evaluated: 2026-04-05. Review status: criteria provided, single submitter. Criteria: DASA Assertion Criteria. Collection method: clinical testing. Allele origin: germline.
Comment: NM_000400.4(ERCC2):c.2084G>A (p.Arg695His) is a missense variant that results in the substitution of arginine with histidine. The affected residue or protein region has prior evidence supporting clinical relevance. This variant is rare in population databases. The currently available literature and clinical evidence are not sufficient to establish a definitive association between this variant and the reported condition. Therefore, this variant is classified as a variant of uncertain significance.

Labcorp Genetics (formerly Invitae), Labcorp
Classification: Uncertain significance. Last evaluated: 2022-06-13. Review status: criteria provided, single submitter. Criteria: Invitae Variant Classification Sherloc (09022015). Collection method: clinical testing. Allele origin: germline.
Comment: This sequence change replaces arginine, which is basic and polar, with histidine, which is basic and polar, at codon 695 of the ERCC2 protein (p.Arg695His). This variant is present in population databases (rs746618110, gnomAD 0.003%). This variant has not been reported in the literature in individuals affected with ERCC2-related conditions. Algorithms developed to predict the effect of missense changes on protein structure and function are either unavailable or do not agree on the potential impact of this missense change (SIFT: "Tolerated"; PolyPhen-2: "Probably Damaging"; Align-GVGD: "Class C0"). In summary, the available evidence is currently insufficient to determine the role of this variant in disease. Therefore, it has been classified as a Variant of Uncertain Significance.

Fulgent Genetics
Classification: Uncertain significance for Xeroderma pigmentosum, group D; Trichothiodystrophy 1, photosensitive; Cerebrooculofacioskeletal syndrome 2. Last evaluated: 2022-04-26. Review status: criteria provided, single submitter. Criteria: ACMG Guidelines, 2015. Collection method: clinical testing. Allele origin: unknown.

Sema4
Classification: Uncertain significance for Xeroderma pigmentosum. Last evaluated: 2021-07-21. Review status: criteria provided, single submitter. Criteria: Sema4 Curation Guidelines. Collection method: curation. Allele origin: germline.
Comment: The ERCC2 c.2084G>A (p.R695H) variant has been reported in heterozygosity in at least one individual with renal cell carcinoma (PMID: 32830346). It was observed in 3/113658 chromosomes in the Non-Finnish European subpopulation in the large and broad cohorts of the Genome Aggregation Database (PMID: 32461654). The variant has not been reported in ClinVar. Functional studies have not been performed and in silico tool predictions of the variants effect on protein function are inconclusive. The evidence is insufficient to meet ACMG/AMP criteria for classifying the variant as benign or pathogenic. Thus, the clinical significance of this variant is currently uncertain.

Blueprint Genetics
Classification: Uncertain significance. Last evaluated: 2019-02-10. Review status: criteria provided, single submitter. Criteria: ACMG Guidelines, 2015. Collection method: clinical testing. Allele origin: germline.

Literature cited by the submitters: PubMed 32830346 (cited by Sema4).

NM_000400.4(ERCC2):c.2084G>A (p.Arg695His)

Gene: ERCC2 (ERCC excision repair 2, TFIIH core complex helicase subunit; minus strand). Cytogenetic location: 19q13.32.
Variant type: single nucleotide variant.
Coding change: c.2084G>A on transcript NM_000400.4 (MANE Select); coding-DNA position 2084, G replaced by A.
Protein change: p.Arg695His; replaces arginine 695 with histidine.
Molecular consequence: missense variant.
Genome position (GRCh38, 1-based): chr19:45,352,315, C>T on the plus strand (G>A on the coding strand, the complement: ERCC2 is on the minus strand). VCF-style: chr19-45352315-C-T. GRCh37 (hg19) VCF-style: chr19-45855573-C-T.
Other names: short protein forms R695H.
Identifiers: ClinVar variation 1430338 (VCV001430338.8), dbSNP rs746618110, ClinGen allele CA9512890.